The following is an entry in ClinVar:

NM_032436.4(CHAMP1):c.2218T>A (p.Cys740Ser)

Gene: CHAMP1 (chromosome alignment maintaining phosphoprotein 1; plus strand). Cytogenetic location: 13q34.
Variant type: single nucleotide variant.
Coding change: c.2218T>A on transcript NM_032436.4 (MANE Select); coding-DNA position 2218, T replaced by A.
Protein change: p.Cys740Ser; replaces cysteine 740 with serine.
Molecular consequence: missense variant.
Genome position (GRCh38, 1-based): chr13:114,326,060, T>A. VCF-style: chr13-114326060-T-A. GRCh37 (hg19) VCF-style: chr13-115091535-T-A.
Other names: c.2218T>A, p.Cys740Ser (NM_001164144.3, NM_001164145.3); short protein forms C740S.
Identifiers: ClinVar variation 3254968 (VCV003254968.1), dbSNP rs2503206025.

ClinVar aggregate classification (germline): Uncertain significance (1 of 4 stars; one submission).

Conditions:
Neurodevelopmental disorder with hypotonia, impaired language, and dysmorphic features. Also called: Intellectual disability, autosomal dominant 40. Identifiers: Orphanet 692193, MedGen C5676894, MONDO:0014699, OMIM 616579.

Submission:

Victorian Clinical Genetics Services, Murdoch Childrens Research Institute
Classification: Uncertain significance for Neurodevelopmental disorder with hypotonia, impaired language, and dysmorphic features. Last evaluated: 2023-12-21. Review status: criteria provided, single submitter. Criteria: ACMG Guidelines, 2015. Collection method: clinical testing. Allele origin: germline. Inheritance: Autosomal dominant inheritance. Affected: yes.
Comment: Based on the classification scheme VCGS_Germline_v1.3.4, this variant is classified as VUS-3A. Following criteria are met: 0105 - The mechanism of disease for this gene is not clearly established. However, dominant negative has been suggested for protein truncating variants, and gain of function has been suggested for missense variants (PMID: 36797464). (I) 0107 - This gene is associated with autosomal dominant disease. (I) 0200 - Variant is predicted to result in a missense amino acid change from cysteine to serine. (I) 0251 - This variant is heterozygous. (I) 0301 - Variant is absent from gnomAD (both v2 and v3). (SP) 0501 - Missense variant consistently predicted to be damaging by multiple in silico tools or highly conserved with a major amino acid change. (SP) 0601 - Variant is located in the well-established functional cysteine residue within a zinc finger motif (UniProt, NCBI). (SP) 0705 - No comparable missense variants have previous evidence for pathogenicity. (I) 0807 - This variant has no previous evidence of pathogenicity. (I) 0905 - No published segregation evidence has been identified for this variant. (I) 1007 - No published functional evidence has been identified for this variant. (I) 1207 - Parental origin of the variant is unresolved. (I) Legend: (SP) - Supporting pathogenic, (I) - Information, (SB) - Supporting benign

Literature cited by the submitters: PubMed 36797464.